The following is an entry in ClinVar:

NM_020937.4(FANCM):c.2609A>G (p.Asn870Ser)

Gene: FANCM (FA complementation group M; plus strand). Cytogenetic location: 14q21.2.
Variant type: single nucleotide variant.
Coding change: c.2609A>G on transcript NM_020937.4 (MANE Select); coding-DNA position 2609, A replaced by G.
Protein change: p.Asn870Ser; replaces asparagine 870 with serine.
Molecular consequence: missense variant.
Genome position (GRCh38, 1-based): chr14:45,175,363, A>G. VCF-style: chr14-45175363-A-G. GRCh37 (hg19) VCF-style: chr14-45644566-A-G.
Other names: c.2531A>G, p.Asn844Ser (NM_001308133.2); short protein forms N844S, N870S.
Identifiers: ClinVar variation 3848483 (VCV003848483.1).
Genomic context (GRCh38, chr14:45,175,363, plus strand): 5'-TTGTTTCTTTAAAGAAAAAAGTGTCTAAAGAAATAAAAAAAGATCAGCTTAAAAAAGAAA[A>G]TAATCACGGTATTATAGATTCTGTAGATAATGACAGAAATTCCACTGTTGAAAATATTTT-3'
Protein context (NP_065988.1, residues 860-880): EIKKDQLKKE[Asn870Ser]NHGIIDSVDN

ClinVar aggregate classification (germline): Uncertain significance (1 of 4 stars; one submission).

Conditions:
Inborn genetic diseases. Identifiers: MedGen C0950123, MeSH D030342.

Submission:

Ambry Genetics
Classification: Uncertain significance for Inborn genetic diseases. Last evaluated: 2024-12-12. Review status: criteria provided, single submitter. Criteria: Ambry Variant Classification Scheme 2023. Collection method: clinical testing. Allele origin: germline.
Comment: The p.N870S variant (also known as c.2609A>G), located in coding exon 14 of the FANCM gene, results from an A to G substitution at nucleotide position 2609. The asparagine at codon 870 is replaced by serine, an amino acid with highly similar properties. This amino acid position is conserved. In addition, this alteration is predicted to be tolerated by in silico analysis. Based on the available evidence, the clinical significance of this variant remains unclear.